The following is an entry in ClinVar:

NM_001040142.2(SCN2A):c.529del (p.Arg177fs)

Gene: SCN2A (sodium voltage-gated channel alpha subunit 2; plus strand). Cytogenetic location: 2q24.3.
Variant type: Deletion.
Coding change: c.529del on transcript NM_001040142.2 (MANE Select); coding-DNA position 529, one base deleted (A; older notation c.529delA).
Protein change: p.Arg177fs; shifts the reading frame from arginine 177.
Molecular consequence: frameshift variant.
Genome position (GRCh38, 1-based): chr2:165,308,718, A deleted; the last of 2 consecutive A bases (chr2:165,308,717-165,308,718); deleting either gives the same sequence. VCF-style (leftmost placement, unchanged base first): chr2-165308716-CA-C. GRCh37 (hg19) VCF-style: chr2-166165226-CA-C.
Other names: c.529del, p.Arg177fs (NM_001371247.1, NM_021007.3, NM_001040143.2 and 1 more transcripts); c.529delA (NM_021007.3); short protein forms R177fs.
Identifiers: ClinVar variation 4856405 (VCV004856405.1).
Genomic context (GRCh38, chr2:165,308,716, plus strand): 5'-TTTCTCTCAGGTATACCTTTACAGGAATTTATACTTTTGAATCACTTATTAAAATACTTG[CA>C]AGGGGCTTTTGTTTAGAAGATTTCACATTTTTACGGGATCCATGGAATTGGTTGGATTTC-3'

ClinVar aggregate classification (germline): Pathogenic (1 of 4 stars; one submission).

Conditions:
Developmental and epileptic encephalopathy, 11 (DEE11). Also called: Early infantile epileptic encephalopathy 11. Identifiers: Orphanet 1934, MedGen C3150987, MONDO:0013388, OMIM 613721.

Submission:

Gansu Provincial Maternity and Child Care Hospital
Classification: Pathogenic for Developmental and epileptic encephalopathy, 11. Last evaluated: 2026-06-02. Review status: criteria provided, single submitter. Criteria: ACMG Guidelines, 2015. Collection method: clinical testing. Allele origin: de novo. Inheritance: Autosomal dominant inheritance. Affected: yes.
Comment: The c.529delA variant is a frameshift variant that leads to premature termination of translation (PVS1). Parental verification confirmed it as a de novo variant (PS2). This site is not recorded in the gnomAD database (PM2_supporting).This variant is classified as pathogenic.